The following is an entry in ClinVar:

ClinVar aggregate classification (germline): Uncertain significance (1 of 4 stars; one submission).

Submission:

GeneDx
Classification: Uncertain significance. Last evaluated: 2024-12-26. Review status: criteria provided, single submitter. Criteria: GeneDx Variant Classification Process June 2021. Collection method: clinical testing. Allele origin: germline. Affected: yes.
Comment: Not observed at significant frequency in large population cohorts (gnomAD); In silico analysis supports that this missense variant has a deleterious effect on protein structure/function; Has not been previously published as pathogenic or benign to our knowledge

NM_001042750.2(STAG2):c.2393T>G (p.Phe798Cys)

Gene: STAG2 (STAG2 cohesin complex component; plus strand). Cytogenetic location: Xq25.
Variant type: single nucleotide variant.
Coding change: c.2393T>G on transcript NM_001042750.2 (MANE Select); coding-DNA position 2393, T replaced by G.
Protein change: p.Phe798Cys; replaces phenylalanine 798 with cysteine.
Molecular consequence: missense variant.
Genome position (GRCh38, 1-based): chrX:124,071,183, T>G. VCF-style: chrX-124071183-T-G. GRCh37 (hg19) VCF-style: chrX-123205033-T-G.
Other names: c.2393T>G, p.Phe798Cys (NM_001042749.2, NM_001042751.2, NM_001282418.2 and 13 more transcripts); short protein forms F798C.
Identifiers: ClinVar variation 3907898 (VCV003907898.1).